The following is an entry in ClinVar:

ClinVar aggregate classification (germline): Uncertain significance (1 of 4 stars; one submission).

Conditions:
Hereditary cancer-predisposing syndrome. Also called: Tumor predisposition; Neoplastic Syndromes, Hereditary; Hereditary neoplastic syndrome; Hereditary Cancer Syndrome. Identifiers: Orphanet 140162, MedGen C0027672, MeSH D009386, MONDO:0015356.

gnomAD v4.1: 1 of 1,609,120 alleles (0.000062%); highest among the groups gnomAD compares: African/African-American, 0.0013%; no homozygotes.

Submission:

Ambry Genetics
Classification: Uncertain significance for Hereditary cancer-predisposing syndrome. Last evaluated: 2024-12-08. Review status: criteria provided, single submitter. Criteria: Ambry Variant Classification Scheme 2023. Collection method: clinical testing. Allele origin: germline.
Comment: The p.V1081A variant (also known as c.3242T>C), located in coding exon 16 of the BLM gene, results from a T to C substitution at nucleotide position 3242. The valine at codon 1081 is replaced by alanine, an amino acid with similar properties. This amino acid position is conserved. In addition, this alteration is predicted to be tolerated by in silico analysis. Based on the available evidence, the clinical significance of this variant remains unclear.

NM_000057.4(BLM):c.3242T>C (p.Val1081Ala)

Gene: BLM (BLM RecQ like helicase; plus strand). Cytogenetic location: 15q26.1.
Variant type: single nucleotide variant.
Coding change: c.3242T>C on transcript NM_000057.4 (MANE Select); coding-DNA position 3242, T replaced by C.
Protein change: p.Val1081Ala; replaces valine 1081 with alanine.
Molecular consequence: missense variant.
Genome position (GRCh38, 1-based): chr15:90,798,221, T>C. VCF-style: chr15-90798221-T-C. GRCh37 (hg19) VCF-style: chr15-91341451-T-C.
Other names: c.3242T>C, p.Val1081Ala (NM_001287246.2, NM_001287247.2); c.2117T>C, p.Val706Ala (NM_001287248.2); short protein forms V1081A, V706A.
Identifiers: ClinVar variation 3480785 (VCV003480785.1).